The following is an entry in ClinVar:

NM_000038.6(APC):c.3262A>C (p.Lys1088Gln)

Gene: APC (APC regulator of Wnt signaling pathway; plus strand). Cytogenetic location: 5q22.2.
Variant type: single nucleotide variant.
Coding change: c.3262A>C on transcript NM_000038.6 (MANE Select); coding-DNA position 3262, A replaced by C.
Protein change: p.Lys1088Gln; replaces lysine 1088 with glutamine.
Molecular consequence: missense variant.
Genome position (GRCh38, 1-based): chr5:112,838,856, A>C. VCF-style: chr5-112838856-A-C. GRCh37 (hg19) VCF-style: chr5-112174553-A-C.
Other names: c.3262A>C, p.Lys1088Gln (NM_001127510.3, NM_001354895.2); c.3208A>C, p.Lys1070Gln (NM_001127511.3); c.3316A>C, p.Lys1106Gln (NM_001354896.2); c.3292A>C, p.Lys1098Gln (NM_001354897.2); c.3187A>C, p.Lys1063Gln (NM_001354898.2); c.3178A>C, p.Lys1060Gln (NM_001354899.2); c.3139A>C, p.Lys1047Gln (NM_001354900.2); c.3085A>C, p.Lys1029Gln (NM_001354901.2); and 5 more; short protein forms K1070Q, K1088Q, K1047Q, K1098Q, K997Q, K805Q, K1060Q, K1106Q.
Identifiers: ClinVar variation 482293 (VCV000482293.5), dbSNP rs1554084883, ClinGen allele CA16028490.

ClinVar aggregate classification (germline): Uncertain significance (1 of 4 stars; one submission).

Conditions:
Hereditary cancer-predisposing syndrome. Also called: Neoplastic Syndromes, Hereditary; Tumor predisposition; Hereditary Cancer Syndrome; Hereditary neoplastic syndrome. Identifiers: Orphanet 140162, MedGen C0027672, MeSH D009386, MONDO:0015356.

Allele frequency attached by ClinVar (database versions not stated): gnomAD exomes below 0.00001.
gnomAD v4.1: 1 of 1,614,148 alleles (0.000062%); highest among the groups gnomAD compares: Non-Finnish European, 0.000085%; no homozygotes.

Submission:

Ambry Genetics
Classification: Uncertain significance for Hereditary cancer-predisposing syndrome. Last evaluated: 2016-01-14. Review status: criteria provided, single submitter. Criteria: Ambry Variant Classification Scheme 2023. Collection method: clinical testing. Allele origin: germline.
Comment: The p.K1088Q variant (also known as c.3262A>C), located in coding exon 15 of the APC gene, results from an A to C substitution at nucleotide position 3262. The lysine at codon 1088 is replaced by glutamine, an amino acid with similar properties. This variant was not reported in population based cohorts in the following databases: Database of Single Nucleotide Polymorphisms (dbSNP), NHLBI Exome Sequencing Project (ESP), and 1000 Genomes Project. In the ESP, this variant was not observed in 6502 samples (13004 alleles) with coverage at this position. To date, this alteration has been detected with an allele frequency of approximately 0.001% (greater than 70000 alleles tested) in our clinical cohort.This amino acid position is highly conserved in available vertebrate species. In addition, in silico predictors for this gene do not accurately predict pathogenicity. Since supporting evidence is limited at this time, the clinical significance of p.K1088Q remains unclear.